The following is an entry in ClinVar:

ClinVar aggregate classification (germline): Pathogenic/Likely pathogenic. Review status: criteria provided, multiple submitters, no conflicts (2 of 4 stars). 3 submissions from 3 submitters: Pathogenic (1); Likely pathogenic (2). Last evaluated 2025-10-31.

Conditions:
Inborn genetic diseases. Identifiers: MedGen C0950123, MeSH D030342.
Developmental and epileptic encephalopathy, 42 (DEE42A). Also called: DEVELOPMENTAL AND EPILEPTIC ENCEPHALOPATHY 42A; EPILEPTIC ENCEPHALOPATHY, EARLY INFANTILE, 42A; Epileptic encephalopathy, early infantile, 42. Identifiers: MedGen C4310716, MONDO:0014917, OMIM 617106.
Episodic ataxia type 2 (EA2). Also called: ACETAZOLAMIDE-RESPONSIVE HEREDITARY PAROXYSMAL CEREBELLAR ATAXIA; ATAXIA, EPISODIC, WITH NYSTAGMUS; ATAXIA, FAMILIAL PAROXYSMAL; CEREBELLAR ATAXIA, PAROXYSMAL, ACETAZOLAMIDE-RESPONSIVE; CEREBELLOPATHY, HEREDITARY PAROXYSMAL; EPISODIC ATAXIA, NYSTAGMUS-ASSOCIATED. Identifiers: Orphanet 97, MedGen C1720416, MONDO:0007163, OMIM 108500.

Allele frequency attached by ClinVar (database versions not stated): gnomAD exomes below 0.00001.
gnomAD v4.1: 1 of 1,613,382 alleles (0.000062%); highest among the groups gnomAD compares: Non-Finnish European, 0.000085%; no homozygotes.

Submissions (3):

GeneDx
Classification: Likely pathogenic. Last evaluated: 2025-10-31. Review status: criteria provided, single submitter. Criteria: GeneDx Variant Classification Process June 2021. Collection method: clinical testing. Allele origin: germline. Affected: yes.
Comment: Reported in patients with epilepsy or a developmental disorder in published literature (PMID: 31036916, 31440721); Not observed at significant frequency in large population cohorts (gnomAD); In silico analysis supports that this missense variant has a deleterious effect on protein structure/function; This variant is associated with the following publications: (PMID: 26795593, 28330790, 31440721, 34806130, 31036916)

Labcorp Genetics (formerly Invitae), Labcorp
Classification: Pathogenic for Developmental and epileptic encephalopathy, 42; Episodic ataxia type 2. Last evaluated: 2024-05-21. Review status: criteria provided, single submitter. Criteria: Invitae Variant Classification Sherloc (09022015). Collection method: clinical testing. Allele origin: germline.
Comment: This sequence change replaces glycine, which is neutral and non-polar, with arginine, which is basic and polar, at codon 1755 of the CACNA1A protein (p.Gly1755Arg). This variant is not present in population databases (gnomAD no frequency). This missense change has been observed in individual(s) with generalized epilepsy with typical absence seizures (PMID: 26795593). In at least one individual the variant was observed to be de novo. ClinVar contains an entry for this variant (Variation ID: 476264). Advanced modeling of protein sequence and biophysical properties (such as structural, functional, and spatial information, amino acid conservation, physicochemical variation, residue mobility, and thermodynamic stability) performed at Invitae indicates that this missense variant is expected to disrupt CACNA1A protein function with a positive predictive value of 95%. For these reasons, this variant has been classified as Pathogenic.

Ambry Genetics
Classification: Likely pathogenic for Inborn genetic diseases. Last evaluated: 2015-06-16. Review status: criteria provided, single submitter. Criteria: Ambry exome assertion method (8-5-2015). Collection method: clinical testing. Allele origin: germline. Affected: yes. Observed: 1 variant allele.

Literature cited by the submitters: PubMed 26795593 (cited by Labcorp Genetics (formerly Invitae), Labcorp).

NM_001127222.2(CACNA1A):c.5260G>A (p.Gly1754Arg)

Gene: CACNA1A (calcium voltage-gated channel subunit alpha1 A; minus strand). Cytogenetic location: 19p13.13.
Variant type: single nucleotide variant.
Coding change: c.5260G>A on transcript NM_001127222.2 (MANE Select); coding-DNA position 5260, G replaced by A.
Protein change: p.Gly1754Arg; replaces glycine 1754 with arginine.
Molecular consequence: missense variant.
Genome position (GRCh38, 1-based): chr19:13,231,850, C>T on the plus strand (G>A on the coding strand, the complement: CACNA1A is on the minus strand). VCF-style: chr19-13231850-C-T. GRCh37 (hg19) VCF-style: chr19-13342664-C-T.
Other names: c.5278G>A, p.Gly1760Arg (NM_000068.4, NM_023035.3); c.5263G>A, p.Gly1755Arg (NM_001127221.2); c.5269G>A, p.Gly1757Arg (NM_001174080.2); short protein forms G1755R, G1757R, G1754R, G1760R.
Identifiers: ClinVar variation 476264 (VCV000476264.16), dbSNP rs1555737113, ClinGen allele CA404334921.